The following is an entry in ClinVar:

NM_015570.4(AUTS2):c.1462del (p.Tyr488fs)

Gene: AUTS2 (activator of transcription and developmental regulator AUTS2; plus strand). Cytogenetic location: 7q11.22.
Variant type: Deletion.
Coding change: c.1462del on transcript NM_015570.4 (MANE Select); coding-DNA position 1462, one base deleted (T; older notation c.1462delT).
Protein change: p.Tyr488fs; shifts the reading frame from tyrosine 488.
Molecular consequence: frameshift variant.
Genome position (GRCh38, 1-based): chr7:70,764,999, T deleted; the last of 2 consecutive T bases (chr7:70,764,998-70,764,999); deleting either gives the same sequence. VCF-style (leftmost placement, unchanged base first): chr7-70764997-CT-C. GRCh37 (hg19) VCF-style: chr7-70229983-CT-C.
Other names: c.1462del, p.Tyr488fs (NM_001127231.3); short protein forms Y488fs.
Identifiers: ClinVar variation 4856074 (VCV004856074.1).
Genomic context (GRCh38, chr7:70,764,997, plus strand): 5'-CTCCTCCACCACCACTGACATCAGGAAGTCTGCAGGTGGCCGGACACCCGGCCGGGAGCA[CT>C]TACTCAGGTAGGACGGAGGGGCCTGTGCTCGTGACCCCGACCCCCACCGCCCCTCGCTGT-3'

ClinVar aggregate classification (germline): Likely pathogenic (1 of 4 stars; one submission).

Conditions:
Autism spectrum disorder due to AUTS2 deficiency (MRD26). Also called: INTELLECTUAL DEVELOPMENTAL DISORDER, AUTOSOMAL DOMINANT 26. Identifiers: Orphanet 352490, MedGen C4014435, MONDO:0014361, OMIM 615834.

Submission:

3billion
Classification: Likely pathogenic for Autism spectrum disorder due to AUTS2 deficiency. Last evaluated: 2025-08-28. Review status: criteria provided, single submitter. Criteria: ACMG Guidelines, 2015. Collection method: clinical testing. Allele origin: germline. Affected: yes.
Comment: The variant is not observed in the gnomAD v4.1.0 dataset. Predicted Consequence/Location: Frameshift: predicted to result in a loss or disruption of normal protein function through nonsense-mediated decay (NMD) or protein truncation. Multiple pathogenic variants are reported downstream of the variant. Therefore, this variant is classified as Likely pathogenic according to the recommendation of ACMG/AMP guideline.